The following is an entry in ClinVar:

ClinVar aggregate classification (germline): Pathogenic (1 of 4 stars; one submission).

Submission:

Labcorp Genetics (formerly Invitae), Labcorp
Classification: Pathogenic. Last evaluated: 2021-07-12. Review status: criteria provided, single submitter. Criteria: Invitae Variant Classification Sherloc (09022015). Collection method: clinical testing. Allele origin: germline.
Comment: For these reasons, this variant has been classified as Pathogenic. This sequence change creates a premature translational stop signal (p.Trp5042Cysfs*4) in the USH2A gene. It is expected to result in an absent or disrupted protein product. Loss-of-function variants in USH2A are known to be pathogenic (PMID: 10729113, 10909849, 20507924, 25649381). This variant is not present in population databases (ExAC no frequency). This variant has not been reported in the literature in individuals with USH2A-related conditions.

Literature cited by the submitters: PubMed 10729113; PubMed 10909849; PubMed 20507924; PubMed 25649381.

NM_206933.4(USH2A):c.15124_15125dup (p.Trp5042fs)

Gene: USH2A (usherin; minus strand). Cytogenetic location: 1q41.
Variant type: Microsatellite.
Coding change: c.15124_15125dup on transcript NM_206933.4 (MANE Select); coding-DNA positions 15124 to 15125, 2 bases duplicated (TG; older notation c.15124_15125dupTG).
Protein change: p.Trp5042fs; shifts the reading frame from tryptophan 5042.
Molecular consequence: frameshift variant.
Genome position (GRCh38, 1-based): chr1:215,634,631-215,634,632, CA duplicated on the plus strand (TG on the coding strand, the reverse complement: USH2A is on the minus strand); duplicating any 2 consecutive bases within chr1:215,634,631-215,634,634 gives the same sequence; the c. name uses the placement nearest the transcript's 3' end. VCF-style (leftmost placement, unchanged base first): chr1-215634630-C-CCA. GRCh37 (hg19) VCF-style: chr1-215807972-C-CCA.
Other names: short protein forms W5042fs.
Identifiers: ClinVar variation 1456196 (VCV001456196.6), dbSNP rs2102630646, ClinGen allele CA2580611542.